The following is an entry in ClinVar:

ClinVar aggregate classification (germline): Conflicting classifications of pathogenicity. Review status: criteria provided, conflicting classifications (1 of 4 stars). 3 submissions from 3 submitters: Uncertain significance (1); Likely benign (1). 1 of the submissions does not count toward it. Last evaluated 2025-12-03.

Conditions:
PKHD1-related disorder. Also called: PKHD1-related condition.
Autosomal recessive polycystic kidney disease (ARPKD). Also called: AR polycystic kidney disease. Identifiers: Orphanet 731, Orphanet 8378, MedGen C0085548, MeSH D017044, MONDO:0009889.

Allele frequency attached by ClinVar (database versions not stated): gnomAD exomes below 0.00001 and 0.00001.
gnomAD v4.1: 3 of 1,613,890 alleles (0.00019%); highest among the groups gnomAD compares: Admixed American, 0.0033%; no homozygotes.

Submissions (3):

Labcorp Genetics (formerly Invitae), Labcorp
Classification: Likely benign for Autosomal recessive polycystic kidney disease. Last evaluated: 2025-12-03. Review status: criteria provided, single submitter. Criteria: Invitae Variant Classification Sherloc (09022015). Collection method: clinical testing. Allele origin: germline.

Eurofins Ntd Llc (ga)
Classification: Uncertain significance. Last evaluated: 2017-05-02. Review status: criteria provided, single submitter. Criteria: EGL Classification Definitions 2015. Collection method: clinical testing. Allele origin: germline. Observed: 1 variant allele, 1 heterozygote.

PreventionGenetics, part of Exact Sciences
Classification: Likely benign for PKHD1-related condition. Last evaluated: 2023-10-24. Review status: no assertion criteria provided. Collection method: clinical testing. Allele origin: germline. Not counted in ClinVar's aggregate classification.
Comment: This variant is classified as likely benign based on ACMG/AMP sequence variant interpretation guidelines (Richards et al. 2015 PMID: 25741868, with internal and published modifications).

NM_138694.4(PKHD1):c.10893T>C (p.Tyr3631=)

Gene: PKHD1 (PKHD1 ciliary IPT domain containing fibrocystin/polyductin; minus strand). Cytogenetic location: 6p12.3.
Variant type: single nucleotide variant.
Coding change: c.10893T>C on transcript NM_138694.4 (MANE Select); coding-DNA position 10893, T replaced by C.
Protein change: p.Tyr3631=; no amino-acid change (tyrosine 3631 retained).
Molecular consequence: synonymous variant.
Genome position (GRCh38, 1-based): chr6:51,659,233, A>G on the plus strand (T>C on the coding strand, the complement: PKHD1 is on the minus strand). VCF-style: chr6-51659233-A-G. GRCh37 (hg19) VCF-style: chr6-51524031-A-G.
Other names: c.10893T>C (NM_138694.3).
Identifiers: ClinVar variation 501691 (VCV000501691.11), dbSNP rs1290859259, ClinGen allele CA450612759.